The following is an entry in ClinVar:

NM_001113378.2(FANCI):c.1828T>A (p.Tyr610Asn)

Gene: FANCI (FA complementation group I; plus strand). Cytogenetic location: 15q26.1.
Variant type: single nucleotide variant.
Coding change: c.1828T>A on transcript NM_001113378.2 (MANE Select); coding-DNA position 1828, T replaced by A.
Protein change: p.Tyr610Asn; replaces tyrosine 610 with asparagine.
Molecular consequence: missense variant.
Genome position (GRCh38, 1-based): chr15:89,290,219, T>A. VCF-style: chr15-89290219-T-A. GRCh37 (hg19) VCF-style: chr15-89833450-T-A.
Other names: c.1549T>A, p.Tyr517Asn (NM_001376910.1); c.1828T>A, p.Tyr610Asn (NM_001376911.1, NM_018193.3); short protein forms Y610N, Y517N.
Identifiers: ClinVar variation 2746909 (VCV002746909.3), dbSNP rs2507291234, ClinGen allele CA393747525.

ClinVar aggregate classification (germline): Uncertain significance (1 of 4 stars; one submission).

Conditions:
Fanconi anemia (FA). Also called: Fanconi's anemia. Identifiers: Orphanet 84, MedGen C0015625, MeSH D005199, MONDO:0019391.

Submission:

Labcorp Genetics (formerly Invitae), Labcorp
Classification: Uncertain significance for Fanconi anemia. Last evaluated: 2023-07-25. Review status: criteria provided, single submitter. Criteria: Invitae Variant Classification Sherloc (09022015). Collection method: clinical testing. Allele origin: germline.
Comment: Advanced modeling of protein sequence and biophysical properties (such as structural, functional, and spatial information, amino acid conservation, physicochemical variation, residue mobility, and thermodynamic stability) has been performed at Invitae for this missense variant, however the output from this modeling did not meet the statistical confidence thresholds required to predict the impact of this variant on FANCI protein function. In summary, the available evidence is currently insufficient to determine the role of this variant in disease. Therefore, it has been classified as a Variant of Uncertain Significance. This variant has not been reported in the literature in individuals affected with FANCI-related conditions. This variant is not present in population databases (gnomAD no frequency). This sequence change replaces tyrosine, which is neutral and polar, with asparagine, which is neutral and polar, at codon 610 of the FANCI protein (p.Tyr610Asn).